The following is an entry in ClinVar:

NM_006885.4(ZFHX3):c.5324C>A (p.Thr1775Asn)

Genes: ZFHX3 (zinc finger homeobox 3; minus strand), ZFHX3-AS1 (ZFHX3 antisense RNA 1; plus strand). Cytogenetic location: 16q22.2.
Variant type: single nucleotide variant.
Coding change: c.5324C>A on transcript NM_006885.4 (MANE Select); coding-DNA position 5324, C replaced by A.
Protein change: p.Thr1775Asn; replaces threonine 1775 with asparagine.
Molecular consequence: missense variant.
Genome position (GRCh38, 1-based): chr16:72,797,358, G>T on the plus strand (C>A on the coding strand, the complement: ZFHX3 is on the minus strand). VCF-style: chr16-72797358-G-T. GRCh37 (hg19) VCF-style: chr16-72831257-G-T.
Other names: c.2582C>A, p.Thr861Asn (NM_001164766.2); c.5324C>A, p.Thr1775Asn (NM_001386735.1); short protein forms T1775N, T861N.
Identifiers: ClinVar variation 4685244 (VCV004685244.1).

ClinVar aggregate classification (germline): Uncertain significance (1 of 4 stars; one submission).

Submission:

GeneDx
Classification: Uncertain significance. Last evaluated: 2025-07-12. Review status: criteria provided, single submitter. Criteria: GeneDx Variant Classification Process June 2021. Collection method: clinical testing. Allele origin: germline. Affected: yes.
Comment: Not observed at significant frequency in large population cohorts (gnomAD); In silico analysis suggests that this missense variant does not alter protein structure/function; Has not been previously published as pathogenic or benign to our knowledge